The following is an entry in ClinVar:

ClinVar aggregate classification (germline): Conflicting classifications of pathogenicity. Review status: criteria provided, conflicting classifications (1 of 4 stars). 8 submissions from 8 submitters: Uncertain significance (5); Likely benign (3). Last evaluated 2026-01-27.

Conditions:
Ectopia lentis 1, isolated, autosomal dominant (ECTOL1). Identifiers: Orphanet 1885, MedGen C3541518, MONDO:0007514, OMIM 129600.
Marfan syndrome (MFS). Also called: MARFAN SYNDROME, TYPE I; FBN1-Related Marfan Syndrome; Marfan syndrome, classic; Marfan syndrome type 1; Marfan's syndrome. Identifiers: Orphanet 284963, Orphanet 558, MedGen C0024796, MONDO:0007947, OMIM 154700.
Acromicric dysplasia (ACMICD). Also called: Acromicric skeletal dysplasia. Identifiers: Orphanet 969, MedGen C0265287, MONDO:0007055, OMIM 102370.
Geleophysic dysplasia 2 (GPHYSD2). Identifiers: Orphanet 2623, MedGen C3280054, MONDO:0013612, OMIM 614185.
MASS syndrome (OCTD). Also called: OVERLAP CONNECTIVE TISSUE DISEASE; MASS PHENOTYPE. Identifiers: MedGen C1858556, MONDO:0011431, OMIM 604308.
Stiff skin syndrome (SSKS). Identifiers: Orphanet 2833, MedGen C1861456, MONDO:0008492, OMIM 184900.
Weill-Marchesani syndrome 2, dominant. Also called: FBN1-Related Weill-Marchesani Syndrome; Weill-Marchesani Syndrome, Autosomal Dominant. Identifiers: Orphanet 2084, MedGen C1869115, MONDO:0012013, OMIM 608328.
Progeroid and marfanoid aspect-lipodystrophy syndrome. Also called: MARFANOID-PROGEROID-LIPODYSTROPHY SYNDROME; MARFANOID-PROGEROID SYNDROME; MARFAN-PROGEROID-LIPODYSTROPHY SYNDROME; Marfan lipodystrophy syndrome. Identifiers: Orphanet 300382, MedGen C4310796, MONDO:0014831, OMIM 616914.
Familial thoracic aortic aneurysm and aortic dissection (TAAD). Also called: Thoracic aortic aneurysms and dissections. Identifiers: Orphanet 91387, MedGen C4707243, MONDO:0019625.

Allele frequency attached by ClinVar (database versions not stated): ESP Exome Variant Server 0.00015; TOPMed 0.00008; gnomAD 0.00011 and 0.00014.
gnomAD v4.1: 38 of 1,613,840 alleles (0.0024%); highest among the groups gnomAD compares: African/African-American, 0.037%; no homozygotes.

Submissions (8):

Labcorp Genetics (formerly Invitae), Labcorp
Classification: Likely benign for Marfan syndrome; Familial thoracic aortic aneurysm and aortic dissection. Last evaluated: 2026-01-27. Review status: criteria provided, single submitter. Criteria: Invitae Variant Classification Sherloc (09022015). Collection method: clinical testing. Allele origin: germline.

Color Diagnostics, LLC DBA Color Health
Classification: Likely benign for Familial thoracic aortic aneurysm and aortic dissection. Last evaluated: 2025-04-14. Review status: criteria provided, single submitter. Criteria: ACMG Guidelines, 2015. Collection method: clinical testing. Allele origin: germline.

GeneDx
Classification: Uncertain significance. Last evaluated: 2024-09-01. Review status: criteria provided, single submitter. Criteria: GeneDx Variant Classification Process June 2021. Collection method: clinical testing. Allele origin: germline. Affected: yes.
Comment: Identified in at least one patient with LVNC in published literature (PMID: 34088380, 30471092); Does not affect a cysteine or calcium-binding residue within an EGF-like domain or a TGF-binding protein domain of the FBN1 gene; cysteine substitutions in the EGF-like domains represent the majority of pathogenic missense changes associated with FBN1-related disorders (PMID: 12938084); In silico analysis supports that this missense variant has a deleterious effect on protein structure/function; This variant is associated with the following publications: (PMID: 12938084, 34088380, 30471092)

All of Us Research Program, National Institutes of Health
Classification: Uncertain significance for Marfan syndrome. Last evaluated: 2024-08-23. Review status: criteria provided, single submitter. Criteria: ACMG Guidelines, 2015. Collection method: clinical testing. Allele origin: germline. Inheritance: Autosomal dominant inheritance. Observed: 15 variant alleles, 15 heterozygotes.
Comment: This missense variant replaces threonine with methionine at codon 524 of the FBN1 protein. Computational prediction suggests that this variant may have deleterious impact on protein structure and function (internally defined REVEL score threshold >= 0.7, PMID: 27666373). To our knowledge, functional studies have not been reported for this variant. This variant has not been reported in individuals affected with cardiovascular disorders in the literature. This variant has been identified in 19/282692 chromosomes in the general population by the Genome Aggregation Database (gnomAD). The available evidence is insufficient to determine the role of this variant in disease conclusively. Therefore, this variant is classified as a Variant of Uncertain Significance.

This study involves interpretation of variants in research participants for the purpose of population health screening. Participant phenotype was not available at the time of variant classification. Additional details can be found in publication PMID: 35346344, PMCID: PMC8962531

Ambry Genetics
Classification: Uncertain significance for Familial thoracic aortic aneurysm and aortic dissection. Last evaluated: 2024-04-29. Review status: criteria provided, single submitter. Criteria: Ambry Variant Classification Scheme 2023. Collection method: clinical testing. Allele origin: germline.
Comment: The p.T524M variant (also known as c.1571C>T), located in coding exon 12 of the FBN1 gene, results from a C to T substitution at nucleotide position 1571. The threonine at codon 524 is replaced by methionine, an amino acid with similar properties. This amino acid position is highly conserved in available vertebrate species. In addition, this alteration is predicted to be deleterious by in silico analysis. Based on the available evidence, the clinical significance of this variant remains unclear.

Women's Health and Genetics/Laboratory Corporation of America, LabCorp
Classification: Likely benign. Last evaluated: 2024-03-27. Review status: criteria provided, single submitter. Criteria: LabCorp Variant Classification Summary - May 2015. Collection method: clinical testing. Allele origin: germline.
Comment: Variant summary: FBN1 c.1571C>T (p.Thr524Met) results in a non-conservative amino acid change located in the EGF-like domain (IPR000742) of the encoded protein sequence. Five of five in-silico tools predict a damaging effect of the variant on protein function. The variant allele was found at a frequency of 2.4e-05 in 1613840 control chromosomes, predominantly at a frequency of 0.00037 within the African or African-American subpopulation in the gnomAD database (v4.0.0). The observed variant frequency within African or African-American control individuals in the gnomAD database is approximately 3 fold of the estimated maximal expected allele frequency for a pathogenic variant in FBN1 causing Marfan Syndrome phenotype (0.00011), strongly suggesting that the variant is a benign polymorphism found primarily in populations of African or African-American origin. c.1571C>T has been reported in the literature in individuals affected with Cardiomyopathy (Richard_2019) without evidence for causality. These report(s) do not provide unequivocal conclusions about association of the variant with Marfan Syndrome. To our knowledge, no experimental evidence demonstrating an impact on protein function has been reported. The following publication have been ascertained in the context of this evaluation (PMID: 30471092). ClinVar contains an entry for this variant (Variation ID: 228683). Based on the evidence outlined above, the variant was classified as likely benign.

Fulgent Genetics
Classification: Uncertain significance for Acromicric dysplasia; Ectopia lentis 1, isolated, autosomal dominant; Marfan syndrome; Stiff skin syndrome; MASS syndrome; Weill-Marchesani syndrome 2, dominant; Geleophysic dysplasia 2; Progeroid and marfanoid aspect-lipodystrophy syndrome. Last evaluated: 2021-11-03. Review status: criteria provided, single submitter. Criteria: ACMG Guidelines, 2015. Collection method: clinical testing. Allele origin: unknown.

Laboratory for Molecular Medicine, Mass General Brigham Personalized Medicine
Classification: Uncertain significance. Last evaluated: 2015-02-03. Review status: criteria provided, single submitter. Criteria: LMM Criteria. Collection method: clinical testing. Allele origin: germline. Observed: 1 variant allele.
Comment: The p.Thr524Met variant in FBN1 has not been previously reported in individuals with Marfan syndrome, but has been identified in 2/11530 Latino chromosomes and 1/10406 African American chromosomes by the Exome Aggregation Consortium (ExAC; dbSNP rs370575495). Computational prediction to ols and conservation analysis suggest that the p.Thr524Met variant may impact th e protein, though this information is not predictive enough to determine pathoge nicity. In summary, the clinical significance of the p.Thr524Met variant is unce rtain.

Literature cited by the submitters: PubMed 30471092 (cited by Women's Health and Genetics/Laboratory Corporation of America, LabCorp).

NM_000138.5(FBN1):c.1571C>T (p.Thr524Met)

Gene: FBN1 (fibrillin 1; minus strand). Cytogenetic location: 15q21.1.
Variant type: single nucleotide variant.
Coding change: c.1571C>T on transcript NM_000138.5 (MANE Select); coding-DNA position 1571, C replaced by T.
Protein change: p.Thr524Met; replaces threonine 524 with methionine.
Molecular consequence: missense variant.
Genome position (GRCh38, 1-based): chr15:48,513,566, G>A on the plus strand (C>T on the coding strand, the complement: FBN1 is on the minus strand). VCF-style: chr15-48513566-G-A. GRCh37 (hg19) VCF-style: chr15-48805763-G-A.
Other names: short protein forms T524M.
Identifiers: ClinVar variation 228683 (VCV000228683.25), dbSNP rs370575495, ClinGen allele CA045042.
Genomic context (GRCh38, chr15:48,513,566, plus strand): 5'-AGCATATATGTCCCACATTCCACGTCAGGAGCCAGGACCATACCTCGGCATTCTGTCCGC[G>A]TGAGTGTGCTCTGATATCCAGCTCGGCACTGACAGGTGTACGAACCCTGGTTGTTAATAC-3'
Protein context (NP_000129.3, residues 514-534): QCRAGYQSTL[Thr524Met]RTECRDIDEC